The following is an entry in ClinVar:

NM_001844.5(COL2A1):c.620G>T (p.Gly207Val)

Gene: COL2A1 (collagen type II alpha 1 chain; minus strand). Cytogenetic location: 12q13.11.
Variant type: single nucleotide variant.
Coding change: c.620G>T on transcript NM_001844.5 (MANE Select); coding-DNA position 620, G replaced by T.
Protein change: p.Gly207Val; replaces glycine 207 with valine.
Molecular consequence: missense variant.
Genome position (GRCh38, 1-based): chr12:47,995,909, C>A on the plus strand (G>T on the coding strand, the complement: COL2A1 is on the minus strand). VCF-style: chr12-47995909-C-A. GRCh37 (hg19) VCF-style: chr12-48389692-C-A.
Other names: c.413G>T, p.Gly138Val (NM_033150.3); short protein forms G138V, G207V.
Identifiers: ClinVar variation 1326883 (VCV001326883.2), dbSNP rs2136619125, ClinGen allele CA384523945.

ClinVar aggregate classification (germline): Likely pathogenic (1 of 4 stars; one submission).

Conditions:
Spondyloepiphyseal dysplasia congenita (SEDC). Also called: SED CONGENITA; SPONDYLOEPIPHYSEAL DYSPLASIA, CONGENITAL TYPE. Identifiers: Orphanet 94068, MedGen C2745959, MONDO:0008471, OMIM 183900.

Submission:

Laboratory of Inherited Metabolic Diseases, Research centre for medical genetics
Classification: Likely pathogenic for Spondyloepiphyseal dysplasia congenita. Last evaluated: 2021-12-04. Review status: criteria provided, single submitter. Criteria: ACMG Guidelines, 2015. Collection method: clinical testing. Allele origin: maternal. Inheritance: Autosomal dominant inheritance. Affected: yes. Observed: 1 variant allele.
Comment: We decided to re-evaluate clinical significance of the variant. Clinical phenotype of a patient is highly specific to the type 2 collagenopathies group of diseases. Moreover,this is a novel missense change at amino acid residue where a different pathogenic missense change has been seen before (PM5).This Gly amino acid substitution in COL2A1 localized in triple helix domain, that highly specific for type 2 collagenopathies group of diseases (PM1, PP2).Previous variant was also connected with SEDC phenotype. So that, we have assessed this variant as pathogenic. We decided to change clinical significance to "Likely pathogenic". Our updated criteria: PM1, PM2, PM5, PP1, PP2, PP3, PP4 according to ACMG it is interpreted like "Likely pathogenic"